The following is an entry in ClinVar:

ClinVar aggregate classification (germline): Uncertain significance (1 of 4 stars; one submission).

Submission:

Women's Health and Genetics/Laboratory Corporation of America, LabCorp
Classification: Uncertain significance. Last evaluated: 2026-06-04. Review status: criteria provided, single submitter. Criteria: LabCorp Variant Classification Summary - May 2015. Collection method: clinical testing. Allele origin: germline.
Comment: Variant summary: APC c.2403_2414del12 (p.Phe801_Arg805delinsLeu) results in an in-frame deletion-insertion that is predicted to delete four amino acids from the protein and also cause changes in one amino acid. The variant was absent in 250824 control chromosomes. The available data on variant occurrences in the general population are insufficient to allow any conclusion about variant significance. To our knowledge, no occurrence of c.2403_2414del12 in individuals affected with APC-related conditions and no experimental evidence demonstrating its impact on protein function have been reported. No submitters have cited clinical-significance assessments for this variant to ClinVar. Based on the evidence outlined above, the variant was classified as uncertain significance.

NM_000038.6(APC):c.2403_2414del (p.Phe801_Arg805delinsLeu)

Gene: APC (APC regulator of Wnt signaling pathway; plus strand). Cytogenetic location: 5q22.2.
Variant type: Deletion.
Coding change: c.2403_2414del on transcript NM_000038.6 (MANE Select); coding-DNA positions 2403 to 2414, 12 bases deleted (TGACACCAATCG).
Protein change: p.Phe801_Arg805delinsLeu.
Molecular consequence: inframe indel. On other transcripts: non-coding transcript variant (2).
Genome position (GRCh38, 1-based): chr5:112,837,997-112,838,008, TGACACCAATCG deleted. VCF-style (leftmost placement, unchanged base first): chr5-112837996-TTGACACCAATCG-T. GRCh37 (hg19) VCF-style: chr5-112173693-TTGACACCAATCG-T.
Other names: c.2382_2393del, p.Phe794_Arg798delinsLeu (NM_001407451.1); c.2373_2384del, p.Phe791_Arg795delinsLeu (NM_001407452.1); c.2226_2237del, p.Phe742_Arg746delinsLeu (NM_001407453.1, NM_001354901.2); c.2154_2165del, p.Phe718_Arg722delinsLeu (NM_001407454.1, NM_001407455.1, NM_001407456.1 and 1 more transcripts); c.2100_2111del, p.Phe700_Arg704delinsLeu (NM_001407458.1, NM_001407459.1, NM_001407460.1 and 1 more transcripts); c.2016_2027del, p.Phe672_Arg676delinsLeu (NM_001407467.1, NM_001407469.1); c.1554_1565del, p.Phe518_Arg522delinsLeu (NM_001407470.1, NM_001354906.2); c.1251_1262del, p.Phe417_Arg421delinsLeu (NM_001407471.1, NM_001407472.1); and 12 more.
Identifiers: ClinVar variation 4887527 (VCV004887527.1).